The following is an entry in ClinVar:

ClinVar aggregate classification (germline): Uncertain significance. Review status: criteria provided, multiple submitters, no conflicts (2 of 4 stars). 2 submissions from 2 submitters: Uncertain significance (2). Last evaluated 2025-06-24.

Conditions:
DICER1-related tumor predisposition. Also called: DICER1 syndrome; DICER1-related pleuropulmonary blastoma cancer predisposition syndrome. Identifiers: Orphanet 284343, MedGen C3839822, MONDO:0100216.
Hereditary cancer-predisposing syndrome. Also called: Neoplastic Syndromes, Hereditary; Hereditary neoplastic syndrome; Hereditary Cancer Syndrome; Tumor predisposition. Identifiers: Orphanet 140162, MedGen C0027672, MeSH D009386, MONDO:0015356.

Allele frequency attached by ClinVar (database versions not stated): gnomAD exomes below 0.00001.

Submissions (2):

Labcorp Genetics (formerly Invitae), Labcorp
Classification: Uncertain significance for DICER1-related tumor predisposition. Last evaluated: 2025-06-24. Review status: criteria provided, single submitter. Criteria: Invitae Variant Classification Sherloc (09022015). Collection method: clinical testing. Allele origin: germline.
Comment: This sequence change replaces methionine, which is neutral and non-polar, with isoleucine, which is neutral and non-polar, at codon 1456 of the DICER1 protein (p.Met1456Ile). This variant is present in population databases (no rsID available, gnomAD 0.0009%). This variant has not been reported in the literature in individuals affected with DICER1-related conditions. ClinVar contains an entry for this variant (Variation ID: 657349). Invitae Evidence Modeling of protein sequence and biophysical properties (such as structural, functional, and spatial information, amino acid conservation, physicochemical variation, residue mobility, and thermodynamic stability) indicates that this missense variant is not expected to disrupt DICER1 protein function with a negative predictive value of 95%. In summary, the available evidence is currently insufficient to determine the role of this variant in disease. Therefore, it has been classified as a Variant of Uncertain Significance.

Ambry Genetics
Classification: Uncertain significance for Hereditary cancer-predisposing syndrome. Last evaluated: 2024-06-20. Review status: criteria provided, single submitter. Criteria: Ambry Variant Classification Scheme 2023. Collection method: clinical testing. Allele origin: germline.
Comment: The p.M1456I variant (also known as c.4368G>A), located in coding exon 22 of the DICER1 gene, results from a G to A substitution at nucleotide position 4368. The methionine at codon 1456 is replaced by isoleucine, an amino acid with highly similar properties. This amino acid position is conserved. In addition, this alteration is predicted to be deleterious by in silico analysis. Based on the available evidence, the clinical significance of this variant remains unclear.

NM_177438.3(DICER1):c.4368G>A (p.Met1456Ile)

Gene: DICER1 (dicer 1, ribonuclease III; minus strand). Cytogenetic location: 14q32.13.
Variant type: single nucleotide variant.
Coding change: c.4368G>A on transcript NM_177438.3 (MANE Select); coding-DNA position 4368, G replaced by A.
Protein change: p.Met1456Ile; replaces methionine 1456 with isoleucine.
Molecular consequence: missense variant.
Genome position (GRCh38, 1-based): chr14:95,096,552, C>T on the plus strand (G>A on the coding strand, the complement: DICER1 is on the minus strand). VCF-style: chr14-95096552-C-T. GRCh37 (hg19) VCF-style: chr14-95562889-C-T.
Other names: c.4368G>A, p.Met1456Ile (NM_001195573.1, NM_001271282.3, NM_001291628.2 and 1 more transcripts); short protein forms M1456I.
Identifiers: ClinVar variation 657349 (VCV000657349.11), dbSNP rs1187851945, ClinGen allele CA390869023.